The following is an entry in ClinVar:

NM_000466.3(PEX1):c.2760del (p.Ala921fs)

Gene: PEX1 (peroxisomal biogenesis factor 1; minus strand). Cytogenetic location: 7q21.2.
Variant type: Deletion.
Coding change: c.2760del on transcript NM_000466.3 (MANE Select); coding-DNA position 2760, one base deleted (A; older notation c.2760delA).
Protein change: p.Ala921fs; shifts the reading frame from alanine 921.
Molecular consequence: frameshift variant.
Genome position (GRCh38, 1-based): chr7:92,496,736, T deleted on the plus strand (A on the coding strand, the reverse complement: PEX1 is on the minus strand); the first of 2 consecutive T bases (chr7:92,496,736-92,496,737); deleting either gives the same sequence. VCF-style (leftmost placement, unchanged base first): chr7-92496735-CT-C. GRCh37 (hg19) VCF-style: chr7-92126049-CT-C.
Other names: c.2589del, p.Ala864fs (NM_001282677.2); c.2136del, p.Ala713fs (NM_001282678.2); c.2760del (NM_000466.2); short protein forms A921fs, A713fs, A864fs.
Identifiers: ClinVar variation 557750 (VCV000557750.18), dbSNP rs1256376226, ClinGen allele CA658822687.

ClinVar aggregate classification (germline): Pathogenic/Likely pathogenic. Review status: criteria provided, multiple submitters, no conflicts (2 of 4 stars). 5 submissions from 5 submitters: Pathogenic (2); Likely pathogenic (1). 2 of the submissions do not count toward it. Last evaluated 2024-06-23.

Conditions:
Zellweger spectrum disorders (ZS). Also called: Zellweger Spectrum Disorder; Zellweger Spectrum; Zellweger syndrome; Zellweger Spectrum Disorder (ZSD). Identifiers: Orphanet 912, MedGen C0043459, MONDO:0019609.
Peroxisome biogenesis disorder. Identifiers: Orphanet 79189, MedGen C1832200, MONDO:0019234. Disease mechanism: loss of function.
Heimler syndrome 1 (HMLR1). Also called: PEROXISOME BIOGENESIS DISORDER 1C. Identifiers: Orphanet 3220, MedGen C4551980, OMIM 234580, MONDO:0024544.
Peroxisome biogenesis disorder 1A (Zellweger) (PBD1A). Also called: Zellweger leukodystrophy; Peroxisome biogenesis disorder 1a. Identifiers: MedGen C4721541, MONDO:0008953, OMIM 214100.
Peroxisome biogenesis disorder 1B (PBD1B). Also called: Refsum disease, infantile form; Infantile Refsum disease; Infantile form of phytanic acid storage disease; PEROXISOME BIOGENESIS DISORDER (NEONATAL ADRENOLEUKODYSTROPHY/INFANTILE REFSUM DISEASE); INFANTILE PHYTANIC ACID STORAGE DISEASE; PEROXISOME BIOGENESIS DISORDER (NALD/IRD). Identifiers: Orphanet 44, MedGen C0282527, MONDO:0011101, OMIM 601539.

Submissions (5):

Fulgent Genetics
Classification: Likely pathogenic for Peroxisome biogenesis disorder 1A (Zellweger); Heimler syndrome 1; Peroxisome biogenesis disorder 1B. Last evaluated: 2024-06-23. Review status: criteria provided, single submitter. Criteria: ACMG Guidelines, 2015. Collection method: clinical testing. Allele origin: germline.

Women's Health and Genetics/Laboratory Corporation of America, LabCorp
Classification: Pathogenic for Peroxisome biogenesis disorder. Last evaluated: 2021-02-12. Review status: criteria provided, single submitter. Criteria: LabCorp Variant Classification Summary - May 2015. Collection method: clinical testing. Allele origin: germline.
Comment: Variant summary: PEX1 c.2760delA (p.Ala921LeufsX40) results in a premature termination codon, predicted to cause a truncation of the encoded protein or absence of the protein due to nonsense mediated decay, which are commonly known mechanisms for disease. Truncations downstream of this position have been classified as pathogenic by our laboratory. The variant was absent in 251160 control chromosomes (gnomAD and publication data). c.2760delA has been reported in the literature in one homozygous individual affected with Zellweger Syndrome. These data indicate that the variant may be associated with disease. To our knowledge, no experimental evidence demonstrating an impact on protein function has been reported. Two ClinVar submitters (evaluation after 2014) cite the variant as pathogenic and likely pathogenic. Based on the evidence outlined above, the variant was classified as pathogenic.

Labcorp Genetics (formerly Invitae), Labcorp
Classification: Pathogenic for Zellweger spectrum disorders. Last evaluated: 2019-06-05. Review status: criteria provided, single submitter. Criteria: Invitae Variant Classification Sherloc (09022015). Collection method: clinical testing. Allele origin: germline.
Comment: This sequence change creates a premature translational stop signal (p.Ala921Leufs*40) in the PEX1 gene. It is expected to result in an absent or disrupted protein product. This variant is not present in population databases (ExAC no frequency). This variant has been observed in an individual affected with Zellweger syndrome spectrum disorder (PMID: 21031596). ClinVar contains an entry for this variant (Variation ID: 557750). Loss-of-function variants in PEX1 are known to be pathogenic (PMID: 9398847, 16086329, 16141001, 21031596). For these reasons, this variant has been classified as Pathogenic.

Natera, Inc.
Classification: Pathogenic for Zellweger syndrome. Last evaluated: 2020-10-27. Review status: no assertion criteria provided. Collection method: clinical testing. Allele origin: germline. Not counted in ClinVar's aggregate classification.

Counsyl
Classification: Likely pathogenic for Peroxisome biogenesis disorder 1A (Zellweger). Last evaluated: 2018-04-12. Review status: no assertion criteria provided. Collection method: clinical testing. Allele origin: unknown. Not counted in ClinVar's aggregate classification.

Literature cited by the submitters: PubMed 21031596 (cited by 3 submitters); PubMed 31831025 (cited by Women's Health and Genetics/Laboratory Corporation of America, LabCorp); PubMed 9398847 (cited by Labcorp Genetics (formerly Invitae), Labcorp); PubMed 16086329 (cited by Labcorp Genetics (formerly Invitae), Labcorp); PubMed 16141001 (cited by Labcorp Genetics (formerly Invitae), Labcorp).